The following is an entry in ClinVar:

NM_012431.3(SEMA3E):c.1443A>T (p.Glu481Asp)

Gene: SEMA3E (semaphorin 3E; minus strand). Cytogenetic location: 7q21.11.
Variant type: single nucleotide variant.
Coding change: c.1443A>T on transcript NM_012431.3 (MANE Select); coding-DNA position 1443, A replaced by T.
Protein change: p.Glu481Asp; replaces glutamic acid 481 with aspartic acid.
Molecular consequence: missense variant.
Genome position (GRCh38, 1-based): chr7:83,396,653, T>A on the plus strand (A>T on the coding strand, the complement: SEMA3E is on the minus strand). VCF-style: chr7-83396653-T-A. GRCh37 (hg19) VCF-style: chr7-83025969-T-A.
Other names: c.1263A>T, p.Glu421Asp (NM_001178129.2); c.1443A>T (NM_012431.2); short protein forms E421D, E481D.
Identifiers: ClinVar variation 1054374 (VCV001054374.10), dbSNP rs764562322, ClinGen allele CA4322027.

ClinVar aggregate classification (germline): Uncertain significance. Review status: criteria provided, single submitter (1 of 4 stars). 2 submissions from 2 submitters: Uncertain significance (1). 1 of the submissions does not count toward it. Last evaluated 2024-10-08.

Conditions:
CHARGE syndrome (CHARGE). Also called: Hittner Hirsch Kreh syndrome; CHARGE ASSOCIATION--COLOBOMA, HEART ANOMALY, CHOANAL ATRESIA, RETARDATION, GENITAL AND EAR ANOMALIES; Coloboma, heart anomaly, choanal atresia, retardation, genital and ear anomalies; CHARGE association; Hall-Hittner syndrome. Identifiers: Orphanet 138, MedGen C0265354, MONDO:0008965.
SEMA3E-related disorder. Also called: SEMA3E-related condition.

Allele frequency attached by ClinVar (database versions not stated): gnomAD 0.00001; gnomAD exomes 0.00001; ExAC 0.00002; TOPMed 0.00003.
gnomAD v4.1: 11 of 1,603,492 alleles (0.00069%); highest among the groups gnomAD compares: Admixed American, 0.012%; no homozygotes.

Submissions (2):

Labcorp Genetics (formerly Invitae), Labcorp
Classification: Uncertain significance for CHARGE syndrome. Last evaluated: 2024-10-08. Review status: criteria provided, single submitter. Criteria: Invitae Variant Classification Sherloc (09022015). Collection method: clinical testing. Allele origin: germline.
Comment: This sequence change replaces glutamic acid, which is acidic and polar, with aspartic acid, which is acidic and polar, at codon 481 of the SEMA3E protein (p.Glu481Asp). This variant is present in population databases (rs764562322, gnomAD 0.009%). This variant has not been reported in the literature in individuals affected with SEMA3E-related conditions. ClinVar contains an entry for this variant (Variation ID: 1054374). Invitae Evidence Modeling of protein sequence and biophysical properties (such as structural, functional, and spatial information, amino acid conservation, physicochemical variation, residue mobility, and thermodynamic stability) indicates that this missense variant is not expected to disrupt SEMA3E protein function with a negative predictive value of 80%. In summary, the available evidence is currently insufficient to determine the role of this variant in disease. Therefore, it has been classified as a Variant of Uncertain Significance.

PreventionGenetics, part of Exact Sciences
Classification: Uncertain significance for SEMA3E-related condition. Last evaluated: 2024-06-08. Review status: no assertion criteria provided. Collection method: clinical testing. Allele origin: germline. Not counted in ClinVar's aggregate classification.
Comment: The SEMA3E c.1443A>T variant is predicted to result in the amino acid substitution p.Glu481Asp. To our knowledge, this variant has not been reported in the literature. This variant is reported in 0.0087% of alleles in individuals of Latino descent in gnomAD. At this time, the clinical significance of this variant is uncertain due to the absence of conclusive functional and genetic evidence.